The following is an entry in ClinVar:

ClinVar aggregate classification (germline): Uncertain significance (1 of 4 stars; one submission).

Conditions:
Cardiovascular phenotype. Identifiers: MedGen CN230736.

Submission:

Ambry Genetics
Classification: Uncertain significance for Cardiovascular phenotype. Last evaluated: 2020-04-13. Review status: criteria provided, single submitter. Criteria: Ambry Variant Classification Scheme 2023. Collection method: clinical testing. Allele origin: germline.
Comment: The p.I14011K variant (also known as c.42032T>A), located in coding exon 151 of the TTN gene, results from a T to A substitution at nucleotide position 42032. The isoleucine at codon 14011 is replaced by lysine, an amino acid with dissimilar properties. This amino acid position is poorly conserved in available vertebrate species. In addition, this alteration is predicted to be tolerated by in silico analysis. Since supporting evidence is limited at this time, the clinical significance of this alteration remains unclear.

NM_001267550.2(TTN):c.69227T>A (p.Ile23076Lys)

Genes: TTN (titin; minus strand), TTN-AS1 (TTN antisense RNA 1; plus strand). Cytogenetic location: 2q31.2.
Variant type: single nucleotide variant.
Coding change: c.69227T>A on transcript NM_001267550.2 (MANE Select); coding-DNA position 69227, T replaced by A.
Protein change: p.Ile23076Lys; replaces isoleucine 23076 with lysine.
Molecular consequence: missense variant.
Genome position (GRCh38, 1-based): chr2:178,577,108, A>T on the plus strand (T>A on the coding strand, the complement: TTN is on the minus strand). VCF-style: chr2-178577108-A-T. GRCh37 (hg19) VCF-style: chr2-179441835-A-T.
Other names: c.64304T>A, p.Ile21435Lys (NM_001256850.1); c.42032T>A, p.Ile14011Lys (NM_003319.4); c.61523T>A, p.Ile20508Lys (NM_133378.4); c.42407T>A, p.Ile14136Lys (NM_133432.3); c.42608T>A, p.Ile14203Lys (NM_133437.4); short protein forms I20508K, I14011K, I14136K, I14203K, I21435K, I23076K.
Identifiers: ClinVar variation 1738672 (VCV001738672.2), dbSNP rs765930349, ClinGen allele CA349669507.